The following is an entry in ClinVar:

NM_022041.4(GAN):c.956A>G (p.His319Arg)

Gene: GAN (gigaxonin; plus strand). Cytogenetic location: 16q23.2.
Variant type: single nucleotide variant.
Coding change: c.956A>G on transcript NM_022041.4 (MANE Select); coding-DNA position 956, A replaced by G.
Protein change: p.His319Arg; replaces histidine 319 with arginine.
Molecular consequence: missense variant.
Genome position (GRCh38, 1-based): chr16:81,357,914, A>G. VCF-style: chr16-81357914-A-G. GRCh37 (hg19) VCF-style: chr16-81391519-A-G.
Other names: c.317A>G, p.His106Arg (NM_001377486.1); short protein forms H106R, H319R.
Identifiers: ClinVar variation 2055896 (VCV002055896.1), dbSNP rs2507735476, ClinGen allele CA396873523.
Genomic context (GRCh38, chr16:81,357,914, plus strand): 5'-ATGACCCTAACAGGCAGCTTTGGATCGAACTGGCCCCTTTAAGCATGCCGAGAATTAACC[A>G]TGGAGTTCTCTCAGCAGGTACCGTTCTGTGGCAAATTTTCCTTAAACAGCAGATCAAGTA-3'
Protein context (NP_071324.1, residues 309-329): LAPLSMPRIN[His319Arg]GVLSAEGFLF

ClinVar aggregate classification (germline): Uncertain significance (1 of 4 stars; one submission).

Conditions:
Giant axonal neuropathy 1 (GAN1). Also called: GIANT AXONAL NEUROPATHY 1, AUTOSOMAL RECESSIVE; GAN-Related Neurodegeneration. Identifiers: Orphanet 643, MedGen C1850386, MONDO:0009749, OMIM 256850.

gnomAD v4.1: 3 of 1,613,818 alleles (0.00019%); highest among the groups gnomAD compares: Non-Finnish European, 0.00025%; no homozygotes.

Submission:

Labcorp Genetics (formerly Invitae), Labcorp
Classification: Uncertain significance for Giant axonal neuropathy 1. Last evaluated: 2022-09-19. Review status: criteria provided, single submitter. Criteria: Invitae Variant Classification Sherloc (09022015). Collection method: clinical testing. Allele origin: germline.
Comment: This sequence change replaces histidine, which is basic and polar, with arginine, which is basic and polar, at codon 319 of the GAN protein (p.His319Arg). This variant is not present in population databases (gnomAD no frequency). This variant has not been reported in the literature in individuals affected with GAN-related conditions. Advanced modeling of protein sequence and biophysical properties (such as structural, functional, and spatial information, amino acid conservation, physicochemical variation, residue mobility, and thermodynamic stability) performed at Invitae indicates that this missense variant is not expected to disrupt GAN protein function. In summary, the available evidence is currently insufficient to determine the role of this variant in disease. Therefore, it has been classified as a Variant of Uncertain Significance.